The following is an entry in ClinVar:

NM_001372.4(DNAH9):c.177C>G (p.Phe59Leu)

Gene: DNAH9 (dynein axonemal heavy chain 9; plus strand). Cytogenetic location: 17p12.
Variant type: single nucleotide variant.
Coding change: c.177C>G on transcript NM_001372.4 (MANE Select); coding-DNA position 177, C replaced by G.
Protein change: p.Phe59Leu; replaces phenylalanine 59 with leucine.
Molecular consequence: missense variant.
Genome position (GRCh38, 1-based): chr17:11,598,675, C>G. VCF-style: chr17-11598675-C-G. GRCh37 (hg19) VCF-style: chr17-11501992-C-G.
Other names: short protein forms F59L.
Identifiers: ClinVar variation 1719323 (VCV001719323.5), dbSNP rs2544175363, ClinGen allele CA398153876.
Genomic context (GRCh38, chr17:11,598,675, plus strand): 5'-TGCGGGCGCCTGGGAGCGTTGCGCGGGGAGTGCTGAGGCGGAGCAGCTGCTCCAGGCCTT[C>G]CTGGGCCGCGATGCTGCCGAGGGGCCGCGGCCGCTGCTGGTGGTGCGGCCCGGGCCCAGG-3'
Protein context (NP_001363.2, residues 49-69): SAEAEQLLQA[Phe59Leu]LGRDAAEGPR

ClinVar aggregate classification (germline): Uncertain significance (1 of 4 stars; one submission).

Allele frequency attached by ClinVar (database versions not stated): gnomAD exomes below 0.00001.
gnomAD v4.1: 2 of 1,365,416 alleles (0.00015%); highest among the groups gnomAD compares: South Asian, 0.0017%; no homozygotes.

Submission:

Labcorp Genetics (formerly Invitae), Labcorp
Classification: Uncertain significance. Last evaluated: 2022-09-13. Review status: criteria provided, single submitter. Criteria: Invitae Variant Classification Sherloc (09022015). Collection method: clinical testing. Allele origin: germline.
Comment: This sequence change replaces phenylalanine, which is neutral and non-polar, with leucine, which is neutral and non-polar, at codon 59 of the DNAH9 protein (p.Phe59Leu). This variant is not present in population databases (gnomAD no frequency). This variant has not been reported in the literature in individuals affected with DNAH9-related conditions. Algorithms developed to predict the effect of missense changes on protein structure and function are either unavailable or do not agree on the potential impact of this missense change (SIFT: "Tolerated"; PolyPhen-2: "Possibly Damaging"; Align-GVGD: "Class C0"). In summary, the available evidence is currently insufficient to determine the role of this variant in disease. Therefore, it has been classified as a Variant of Uncertain Significance.